The following is an entry in ClinVar:

ClinVar aggregate classification (germline): Uncertain significance (1 of 4 stars; one submission).

Conditions:
Leber congenital amaurosis 13 (LCA13). Identifiers: MedGen C2675186, MONDO:0012990, OMIM 612712.

Submission:

Labcorp Genetics (formerly Invitae), Labcorp
Classification: Uncertain significance for Leber congenital amaurosis 13. Last evaluated: 2025-02-03. Review status: criteria provided, single submitter. Criteria: Invitae Variant Classification Sherloc (09022015). Collection method: clinical testing. Allele origin: germline.
Comment: This sequence change falls in intron 8 of the RDH12 gene. It does not directly change the encoded amino acid sequence of the RDH12 protein. This variant is not present in population databases (gnomAD no frequency). This variant has not been reported in the literature in individuals affected with RDH12-related conditions. ClinVar contains an entry for this variant (Variation ID: 1058184). Algorithms developed to predict the effect of sequence changes on RNA splicing suggest that this variant may disrupt the consensus splice site. In summary, the available evidence is currently insufficient to determine the role of this variant in disease. Therefore, it has been classified as a Variant of Uncertain Significance.

NM_152443.3(RDH12):c.849-6C>G

Genes: RDH12 (retinol dehydrogenase 12; plus strand), ZFYVE26 (zinc finger FYVE-type containing 26; minus strand), GPHN (gephyrin; plus strand). Cytogenetic location: 14q24.1.
Variant type: single nucleotide variant.
Coding change: c.849-6C>G on transcript NM_152443.3 (MANE Select); 6 bases into the intron before coding-DNA position 849, C replaced by G.
Molecular consequence: intron variant.
Genome position (GRCh38, 1-based): chr14:67,733,740, C>G. VCF-style: chr14-67733740-C-G. GRCh37 (hg19) VCF-style: chr14-68200457-C-G.
Identifiers: ClinVar variation 1058184 (VCV001058184.7), dbSNP rs1203847598, ClinGen allele CA2499222678.